The following is an entry in ClinVar:

NM_014028.4(OSTM1):c.767T>C (p.Ile256Thr)

Gene: OSTM1 (osteoclastogenesis associated transmembrane protein 1; minus strand). Cytogenetic location: 6q21.
Variant type: single nucleotide variant.
Coding change: c.767T>C on transcript NM_014028.4 (MANE Select); coding-DNA position 767, T replaced by C.
Protein change: p.Ile256Thr; replaces isoleucine 256 with threonine.
Molecular consequence: missense variant.
Genome position (GRCh38, 1-based): chr6:108,051,047, A>G on the plus strand (T>C on the coding strand, the complement: OSTM1 is on the minus strand). VCF-style: chr6-108051047-A-G. GRCh37 (hg19) VCF-style: chr6-108372251-A-G.
Other names: short protein forms I256T.
Identifiers: ClinVar variation 4796910 (VCV004796910.1).
Genomic context (GRCh38, chr6:108,051,047, plus strand): 5'-ATAACACTCTAAAATATGTATCACATCAGAAGCAAAGTACTTACTGCATCTTCCACATCA[A>G]TGCATAAATGTGTTCCAGGTTCAGCCTTATTCTCAAGTTCATTCATTTTTTGCATTTCAC-3'
Protein context (NP_054747.2, residues 246-266): NKAEPGTHLC[Ile256Thr]DVEDAMNITR

ClinVar aggregate classification (germline): Uncertain significance (1 of 4 stars; one submission).

gnomAD v4.1: 2 of 1,613,360 alleles (0.00012%); highest among the groups gnomAD compares: Non-Finnish European, 0.00017%; no homozygotes.

Submission:

Labcorp Genetics (formerly Invitae), Labcorp
Classification: Uncertain significance. Last evaluated: 2025-05-17. Review status: criteria provided, single submitter. Criteria: Invitae Variant Classification Sherloc (09022015). Collection method: clinical testing. Allele origin: germline.
Comment: This sequence change replaces isoleucine, which is neutral and non-polar, with threonine, which is neutral and polar, at codon 256 of the OSTM1 protein (p.Ile256Thr). This variant is not present in population databases (gnomAD no frequency). This variant has not been reported in the literature in individuals affected with OSTM1-related conditions. Invitae Evidence Modeling of protein sequence and biophysical properties (such as structural, functional, and spatial information, amino acid conservation, physicochemical variation, residue mobility, and thermodynamic stability) indicates that this missense variant is expected to disrupt OSTM1 protein function with a positive predictive value of 80%. In summary, the available evidence is currently insufficient to determine the role of this variant in disease. Therefore, it has been classified as a Variant of Uncertain Significance.